The following is an entry in ClinVar:

ClinVar aggregate classification (germline): Uncertain significance (1 of 4 stars; one submission).

Submission:

Labcorp Genetics (formerly Invitae), Labcorp
Classification: Uncertain significance. Last evaluated: 2022-08-22. Review status: criteria provided, single submitter. Criteria: Invitae Variant Classification Sherloc (09022015). Collection method: clinical testing. Allele origin: germline.
Comment: This variant has not been reported in the literature in individuals affected with LIPT1-related conditions. ClinVar contains an entry for this variant (Variation ID: 1359627). Algorithms developed to predict the effect of missense changes on protein structure and function are either unavailable or do not agree on the potential impact of this missense change (SIFT: "Deleterious"; PolyPhen-2: "Probably Damaging"; Align-GVGD: "Class C15"). In summary, the available evidence is currently insufficient to determine the role of this variant in disease. Therefore, it has been classified as a Variant of Uncertain Significance. This variant is not present in population databases (gnomAD no frequency). This sequence change replaces tryptophan, which is neutral and slightly polar, with cysteine, which is neutral and slightly polar, at codon 269 of the LIPT1 protein (p.Trp269Cys).

NM_145199.3(LIPT1):c.807G>C (p.Trp269Cys)

Genes: LIPT1 (lipoyltransferase 1; plus strand), MITD1 (microtubule interacting and trafficking domain containing 1; minus strand). Cytogenetic location: 2q11.2.
Variant type: single nucleotide variant.
Coding change: c.807G>C on transcript NM_145199.3 (MANE Select); coding-DNA position 807, G replaced by C.
Protein change: p.Trp269Cys; replaces tryptophan 269 with cysteine.
Molecular consequence: missense variant. On other transcripts: non-coding transcript variant (2).
Genome position (GRCh38, 1-based): chr2:99,162,764, G>C. VCF-style: chr2-99162764-G-C. GRCh37 (hg19) VCF-style: chr2-99779227-G-C.
Other names: c.807G>C, p.Trp269Cys (NM_001204830.2, NM_015929.4, NM_145197.3 and 1 more transcripts); short protein forms W269C.
Identifiers: ClinVar variation 1359627 (VCV001359627.8), dbSNP rs2105202467, ClinGen allele CA347855021.
Genomic context (GRCh38, chr2:99,162,764, plus strand): 5'-CCCAACGGATGAGACACTGTTTCCTGGAATAAATAGCAAAGCCAAAGAACTGCAAACTTG[G>C]GAGTGGATATATGGCAAAACTCCAAAGTTTAGTATAAATACTTCCTTTCATGTGTTATAT-3'
Protein context (NP_660200.1, residues 259-279): INSKAKELQT[Trp269Cys]EWIYGKTPKF